The following is an entry in ClinVar:

ClinVar aggregate classification (germline): Uncertain significance (1 of 4 stars; one submission).

Conditions:
Hereditary cancer-predisposing syndrome. Also called: Hereditary Cancer Syndrome; Hereditary neoplastic syndrome; Tumor predisposition; Neoplastic Syndromes, Hereditary. Identifiers: Orphanet 140162, MedGen C0027672, MeSH D009386, MONDO:0015356.
Cardiovascular phenotype. Identifiers: MedGen CN230736.

Submission:

Ambry Genetics
Classification: Uncertain significance for Cardiovascular phenotype; Hereditary cancer-predisposing syndrome. Last evaluated: 2024-11-17. Review status: criteria provided, single submitter. Criteria: Ambry Variant Classification Scheme 2023. Collection method: clinical testing. Allele origin: germline.
Comment: The p.T213I variant (also known as c.638C>T), located in coding exon 7 of the LZTR1 gene, results from a C to T substitution at nucleotide position 638. The threonine at codon 213 is replaced by isoleucine, an amino acid with similar properties. This amino acid position is conserved. In addition, this alteration is predicted to be tolerated by in silico analysis. Based on the available evidence, the clinical significance of this variant remains unclear.

NM_006767.4(LZTR1):c.638C>T (p.Thr213Ile)

Gene: LZTR1 (leucine zipper like post translational regulator 1; plus strand). Cytogenetic location: 22q11.21.
Variant type: single nucleotide variant.
Coding change: c.638C>T on transcript NM_006767.4 (MANE Select); coding-DNA position 638, C replaced by T.
Protein change: p.Thr213Ile; replaces threonine 213 with isoleucine.
Molecular consequence: missense variant.
Genome position (GRCh38, 1-based): chr22:20,989,669, C>T. VCF-style: chr22-20989669-C-T. GRCh37 (hg19) VCF-style: chr22-21343958-C-T.
Other names: short protein forms T213I.
Identifiers: ClinVar variation 3541710 (VCV003541710.1).
Genomic context (GRCh38, chr22:20,989,669, plus strand): 5'-GTCTGTCCTAATACAGGTTGAATGACATGTGGACAATTGGCCTCCAGGACCGAGAGCTCA[C>T]CTGCTGGGAGGAGGTGAGGGGCGTGGGGAGCCAGGGCGCAGGTAGAGGAGGTGAGGGGCA-3'
Protein context (NP_006758.2, residues 203-223): WTIGLQDREL[Thr213Ile]CWEEVAQSGE